The following is an entry in ClinVar:

NM_172362.3(KCNH1):c.999G>C (p.Gln333His)

Gene: KCNH1 (potassium voltage-gated channel subfamily H member 1; minus strand). Cytogenetic location: 1q32.2.
Variant type: single nucleotide variant.
Coding change: c.999G>C on transcript NM_172362.3 (MANE Select); coding-DNA position 999, G replaced by C.
Protein change: p.Gln333His; replaces glutamine 333 with histidine.
Molecular consequence: missense variant. On other transcripts: intron variant (1).
Genome position (GRCh38, 1-based): chr1:211,018,816, C>G on the plus strand (G>C on the coding strand, the complement: KCNH1 is on the minus strand). VCF-style: chr1-211018816-C-G. GRCh37 (hg19) VCF-style: chr1-211192158-C-G.
Other names: c.951+48G>C (NM_002238.4); short protein forms Q333H.
Identifiers: ClinVar variation 3610965 (VCV003610965.2).

ClinVar aggregate classification (germline): Uncertain significance (1 of 4 stars; one submission).

Submission:

Labcorp Genetics (formerly Invitae), Labcorp
Classification: Uncertain significance. Last evaluated: 2024-12-15. Review status: criteria provided, single submitter. Criteria: Invitae Variant Classification Sherloc (09022015). Collection method: clinical testing. Allele origin: germline.
Comment: This sequence change replaces glutamine, which is neutral and polar, with histidine, which is basic and polar, at codon 333 of the KCNH1 protein (p.Gln333His). This variant is present in population databases (rs758044645, gnomAD 0.0009%). This variant has not been reported in the literature in individuals affected with KCNH1-related conditions. Invitae Evidence Modeling of protein sequence and biophysical properties (such as structural, functional, and spatial information, amino acid conservation, physicochemical variation, residue mobility, and thermodynamic stability) has been performed for this missense variant. However, the output from this modeling did not meet the statistical confidence thresholds required to predict the impact of this variant on KCNH1 protein function. In summary, the available evidence is currently insufficient to determine the role of this variant in disease. Therefore, it has been classified as a Variant of Uncertain Significance.